The following is an entry in ClinVar:

NM_001128.6(AP1G1):c.1816G>A (p.Glu606Lys)

Gene: AP1G1 (adaptor related protein complex 1 subunit gamma 1; minus strand). Cytogenetic location: 16q22.2.
Variant type: single nucleotide variant.
Coding change: c.1816G>A on transcript NM_001128.6 (MANE Select); coding-DNA position 1816, G replaced by A.
Protein change: p.Glu606Lys; replaces glutamic acid 606 with lysine.
Molecular consequence: missense variant.
Genome position (GRCh38, 1-based): chr16:71,745,529, C>T on the plus strand (G>A on the coding strand, the complement: AP1G1 is on the minus strand). VCF-style: chr16-71745529-C-T. GRCh37 (hg19) VCF-style: chr16-71779432-C-T.
Other names: c.1825G>A, p.Glu609Lys (NM_001030007.2); short protein forms E606K, E609K.
Identifiers: ClinVar variation 3063670 (VCV003063670.1), dbSNP rs1220061795, ClinGen allele CA396665629.

ClinVar aggregate classification (germline): Uncertain significance (1 of 4 stars; one submission).

Allele frequency attached by ClinVar (database versions not stated): TOPMed below 0.00001; gnomAD 0.00001.
gnomAD v4.1: 2 of 1,614,062 alleles (0.00012%); highest among the groups gnomAD compares: Non-Finnish European, 0.00017%; no homozygotes.

Submission:

Women's Health and Genetics/Laboratory Corporation of America, LabCorp
Classification: Uncertain significance. Last evaluated: 2024-01-25. Review status: criteria provided, single submitter. Criteria: LabCorp Variant Classification Summary - May 2015. Collection method: clinical testing. Allele origin: germline.
Comment: Variant summary: AP1G1 c.1825G>A (p.Glu609Lys) results in a conservative amino acid change in the encoded protein sequence. Four of five in-silico tools predict a benign effect of the variant on protein function. The variant was absent in 251476 control chromosomes. The available data on variant occurrences in the general population are insufficient to allow any conclusion about variant significance. To our knowledge, no occurrence of c.1825G>A in individuals affected with Usmani-Riazuddin Syndrome, Autosomal Recessive and no experimental evidence demonstrating its impact on protein function have been reported. No submitters have cited clinical-significance assessments for this variant to ClinVar. Based on the evidence outlined above, the variant was classified as uncertain significance.